The following is an entry in ClinVar:

NM_183357.3(ADCY5):c.299A>C (p.Lys100Thr)

Gene: ADCY5 (adenylate cyclase 5; minus strand). Cytogenetic location: 3q21.1.
Variant type: single nucleotide variant.
Coding change: c.299A>C on transcript NM_183357.3 (MANE Select); coding-DNA position 299, A replaced by C.
Protein change: p.Lys100Thr; replaces lysine 100 with threonine.
Molecular consequence: missense variant.
Genome position (GRCh38, 1-based): chr3:123,448,247, T>G on the plus strand (A>C on the coding strand, the complement: ADCY5 is on the minus strand). VCF-style: chr3-123448247-T-G. GRCh37 (hg19) VCF-style: chr3-123167094-T-G.
Other names: c.299A>C, p.Lys100Thr (NM_001378259.1); short protein forms K100T.
Identifiers: ClinVar variation 1211216 (VCV001211216.3), dbSNP rs1038111568, ClinGen allele CA82636278.

ClinVar aggregate classification (germline): Uncertain significance (1 of 4 stars; one submission).

gnomAD v4.1: 5 of 1,486,400 alleles (0.00034%); highest among the groups gnomAD compares: African/African-American, 0.0072%; no homozygotes.

Submission:

GeneDx
Classification: Uncertain significance. Last evaluated: 2019-05-03. Review status: criteria provided, single submitter. Criteria: GeneDx Variant Classification Process June 2021. Collection method: clinical testing. Allele origin: germline. Affected: yes.
Comment: Not observed in large population cohorts (Lek et al., 2016); In silico analysis, which includes protein predictors and evolutionary conservation, supports that this variant does not alter protein structure/function; Has not been previously published as pathogenic or benign to our knowledge